The following is an entry in ClinVar:

ClinVar aggregate classification (germline): Uncertain significance (1 of 4 stars; one submission).

Conditions:
Brachyolmia-amelogenesis imperfecta syndrome. Also called: PLATYSPONDYLY WITH AMELOGENESIS IMPERFECTA; Tooth agenesis, selective, 6; Dental anomalies and short stature. Identifiers: Orphanet 2899, MedGen C1832594, MONDO:0011018, OMIM 601216. Disease mechanism: loss of function.

Submission:

Labcorp Genetics (formerly Invitae), Labcorp
Classification: Uncertain significance for Brachyolmia-amelogenesis imperfecta syndrome. Last evaluated: 2025-11-27. Review status: criteria provided, single submitter. Criteria: Invitae Variant Classification Sherloc (09022015). Collection method: clinical testing. Allele origin: germline.
Comment: This sequence change replaces glutamic acid, which is acidic and polar, with aspartic acid, which is acidic and polar, at codon 14 of the LTBP3 protein (p.Glu14Asp). This variant is not present in population databases (gnomAD no frequency). This variant has not been reported in the literature in individuals affected with LTBP3-related conditions. Experimental studies and prediction algorithms are not available or were not evaluated, and the functional significance of this variant is currently unknown. In summary, the available evidence is currently insufficient to determine the role of this variant in disease. Therefore, it has been classified as a Variant of Uncertain Significance.

NM_001130144.3(LTBP3):c.42G>C (p.Glu14Asp)

Gene: LTBP3 (latent transforming growth factor beta binding protein 3; minus strand). Cytogenetic location: 11q13.1.
Variant type: single nucleotide variant.
Coding change: c.42G>C on transcript NM_001130144.3 (MANE Select); coding-DNA position 42, G replaced by C.
Protein change: p.Glu14Asp; replaces glutamic acid 14 with aspartic acid.
Molecular consequence: missense variant. On other transcripts: 5 prime UTR variant (1).
Genome position (GRCh38, 1-based): chr11:65,557,918, C>G on the plus strand (G>C on the coding strand, the complement: LTBP3 is on the minus strand). VCF-style: chr11-65557918-C-G. GRCh37 (hg19) VCF-style: chr11-65325389-C-G.
Other names: c.-306G>C (NM_001164266.1); c.42G>C, p.Glu14Asp (NM_021070.4); short protein forms E14D.
Identifiers: ClinVar variation 4805692 (VCV004805692.1).
Genomic context (GRCh38, chr11:65,557,918, plus strand): 5'-CAGCAGCAGCAGCAGCAGCAGCAGCAGCGCCAGCAGCCCCGCCGCCCCCGCCCCGCGCAT[C>G]TCAGGGGCCAGGCCGCCAGCAGCCCCTCGGGGCCCGGGCATCCGGGGCCGCAGGACCCGG-3'
Protein context (NP_001123616.1, residues 4-24): PRGAAGGLAP[Glu14Asp]MRGAGAAGLL